The following is an entry in ClinVar:

NM_005343.4(HRAS):c.202C>G (p.Arg68Gly)

Genes: LRRC56 (leucine rich repeat containing 56; plus strand), HRAS (HRas proto-oncogene, GTPase; minus strand). Cytogenetic location: 11p15.5.
Variant type: single nucleotide variant.
Coding change: c.202C>G on transcript NM_005343.4 (MANE Select); coding-DNA position 202, C replaced by G.
Protein change: p.Arg68Gly; replaces arginine 68 with glycine.
Molecular consequence: missense variant. On other transcripts: 5 prime UTR variant (1).
Genome position (GRCh38, 1-based): chr11:533,854, G>C on the plus strand (C>G on the coding strand, the complement: HRAS is on the minus strand). VCF-style: chr11-533854-G-C. GRCh37 (hg19) VCF-style: chr11-533854-G-C.
Other names: c.202C>G, p.Arg68Gly (NM_001130442.3, NM_176795.5); c.-118C>G (NM_001318054.2); short protein forms R68G.
Identifiers: ClinVar variation 1062564 (VCV001062564.12), dbSNP rs1370690781, ClinGen allele CA378924632.
Genomic context (GRCh38, chr11:533,854, plus strand): 5'-TGGTGTTGTTGATGGCAAACACACACAGGAAGCCCTCCCCGGTGCGCATGTACTGGTCCC[G>C]CATGGCGCTGTACTCCTCCTGGCCGGCGGTATCCAGGATGTCCAACAGGCACGTCTCCCC-3'
Protein context (NP_005334.1, residues 58-78): TAGQEEYSAM[Arg68Gly]DQYMRTGEGF

ClinVar aggregate classification (germline): Uncertain significance. Review status: criteria provided, multiple submitters, no conflicts (2 of 4 stars). 2 submissions from 2 submitters: Uncertain significance (2). Last evaluated 2023-12-31.

Conditions:
Cardiovascular phenotype. Identifiers: MedGen CN230736.
Costello syndrome (CSTLO). Also called: HRAS-Related Costello Syndrome; FACIOCUTANEOSKELETAL SYNDROME; FCS SYNDROME. Identifiers: Orphanet 3071, MedGen C0587248, MONDO:0009026, OMIM 218040.

gnomAD v4.1: 2 of 1,613,308 alleles (0.00012%); highest among the groups gnomAD compares: Non-Finnish European, 0.00017%; no homozygotes.

Submissions (2):

Labcorp Genetics (formerly Invitae), Labcorp
Classification: Uncertain significance for Costello syndrome. Last evaluated: 2023-12-31. Review status: criteria provided, single submitter. Criteria: Invitae Variant Classification Sherloc (09022015). Collection method: clinical testing. Allele origin: germline.
Comment: This sequence change replaces arginine, which is basic and polar, with glycine, which is neutral and non-polar, at codon 68 of the HRAS protein (p.Arg68Gly). This variant is not present in population databases (gnomAD no frequency). This variant has not been reported in the literature in individuals affected with HRAS-related conditions. ClinVar contains an entry for this variant (Variation ID: 1062564). Advanced modeling of protein sequence and biophysical properties (such as structural, functional, and spatial information, amino acid conservation, physicochemical variation, residue mobility, and thermodynamic stability) performed at Invitae indicates that this missense variant is expected to disrupt HRAS protein function with a positive predictive value of 95%. In summary, the available evidence is currently insufficient to determine the role of this variant in disease. Therefore, it has been classified as a Variant of Uncertain Significance.

Ambry Genetics
Classification: Uncertain significance for Cardiovascular phenotype. Last evaluated: 2021-09-30. Review status: criteria provided, single submitter. Criteria: Ambry Variant Classification Scheme 2023. Collection method: clinical testing. Allele origin: germline.
Comment: The p.R68G variant (also known as c.202C>G), located in coding exon 2 of the HRAS gene, results from a C to G substitution at nucleotide position 202. The arginine at codon 68 is replaced by glycine, an amino acid with dissimilar properties. This amino acid position is conserved. In addition, this alteration is predicted to be deleterious by in silico analysis. Since supporting evidence is limited at this time, the clinical significance of this alteration remains unclear.